The following is an entry in ClinVar:

NC_000023.11:g.18650541A>G

Genes: CDKL5 (cyclin dependent kinase like 5; plus strand), RS1 (retinoschisin 1; minus strand). Cytogenetic location: Xp22.13.
Variant type: single nucleotide variant.
Molecular consequence: intron variant (on NM_000330.4). On other transcripts: missense variant (2).
Genome position: GRCh38 VCF-style: chrX-18650541-A-G. GRCh37 (hg19) VCF-style: chrX-18668661-A-G.
Other names: c.2929A>G, p.Thr977Ala (NM_001037343.2, NM_003159.3); c.185-3209T>C (NM_000330.4); short protein forms T977A.
Identifiers: ClinVar variation 2953238 (VCV002953238.3), dbSNP rs2518930648, ClinGen allele CA412373719.

ClinVar aggregate classification (germline): Uncertain significance (1 of 4 stars; one submission).

Conditions:
Developmental and epileptic encephalopathy, 2 (DEE2). Also called: INFANTILE SPASM SYNDROME, X-LINKED 2; CDKL5 deficiency disorder. Identifiers: Orphanet 1934, Orphanet 3451, Orphanet 505652, MedGen C4750718, MONDO:0010396, OMIM 300672.
Angelman syndrome-like. Identifiers: MedGen CN128785.

Submission:

Labcorp Genetics (formerly Invitae), Labcorp
Classification: Uncertain significance for Developmental and epileptic encephalopathy, 2; Angelman syndrome-like. Last evaluated: 2023-06-15. Review status: criteria provided, single submitter. Criteria: Invitae Variant Classification Sherloc (09022015). Collection method: clinical testing. Allele origin: germline.
Comment: This variant is not present in population databases (gnomAD no frequency). This sequence change replaces threonine, which is neutral and polar, with alanine, which is neutral and non-polar, at codon 977 of the CDKL5 protein (p.Thr977Ala). This variant has not been reported in the literature in individuals affected with CDKL5-related conditions. Advanced modeling of protein sequence and biophysical properties (such as structural, functional, and spatial information, amino acid conservation, physicochemical variation, residue mobility, and thermodynamic stability) performed at Invitae indicates that this missense variant is not expected to disrupt CDKL5 protein function. In summary, the available evidence is currently insufficient to determine the role of this variant in disease. Therefore, it has been classified as a Variant of Uncertain Significance.